The following is an entry in ClinVar:

ClinVar aggregate classification (germline): Uncertain significance (1 of 4 stars; one submission).

Conditions:
Parkinsonism-dystonia, infantile. Identifiers: Orphanet 238455, MedGen C2751067, MONDO:0013150.

Submission:

Labcorp Genetics (formerly Invitae), Labcorp
Classification: Uncertain significance for Parkinsonism-dystonia, infantile. Last evaluated: 2022-09-01. Review status: criteria provided, single submitter. Criteria: Invitae Variant Classification Sherloc (09022015). Collection method: clinical testing. Allele origin: germline.
Comment: This sequence change falls in intron 11 of the SLC6A3 gene. It does not directly change the encoded amino acid sequence of the SLC6A3 protein. Information on the frequency of this variant in the gnomAD database is not available, as this variant may be reported differently in the database. This variant has not been reported in the literature in individuals affected with SLC6A3-related conditions. ClinVar contains an entry for this variant (Variation ID: 1445898). Algorithms developed to predict the effect of sequence changes on RNA splicing suggest that this variant may create or strengthen a splice site. In summary, the available evidence is currently insufficient to determine the role of this variant in disease. Therefore, it has been classified as a Variant of Uncertain Significance.

NM_001044.5(SLC6A3):c.1498+13_1498+14delinsTG

Gene: SLC6A3 (solute carrier family 6 member 3). Cytogenetic location: 5p15.33.
Variant type: Indel.
Coding change: c.1498+13_1498+14delinsTG on transcript NM_001044.5 (MANE Select); bases 13 to 14 of the intron after coding-DNA position 1498, the reference bases replaced by TG.
Molecular consequence: intron variant.
Genome position: GRCh38 VCF-style: chr5-1409012-TC-CA. GRCh37 (hg19) VCF-style: chr5-1409127-TC-CA.
Identifiers: ClinVar variation 1445898 (VCV001445898.3), dbSNP rs2126338242, ClinGen allele CA2573138577.